The following is an entry in ClinVar:

ClinVar aggregate classification (germline): Uncertain significance. Review status: reviewed by expert panel (3 of 4 stars). 3 submissions from 3 submitters: Uncertain significance (1). 2 of the submissions do not count toward it. Last evaluated 2024-09-18.

Conditions:
Inborn genetic diseases. Identifiers: MedGen C0950123, MeSH D030342.
Hereditary thrombocytopenia and hematologic cancer predisposition syndrome. Identifiers: Orphanet 71290, MedGen CN281654, MONDO:0011071.

Submissions (3):

ClinGen Myeloid Malignancy Variant Curation Expert Panel
Classification: Uncertain significance for Hereditary thrombocytopenia and hematologic cancer predisposition syndrome. Last evaluated: 2024-09-18. Review status: reviewed by expert panel. Criteria: ClinGen MyeloMalig ACMG Specifications v2. Collection method: curation. Allele origin: germline. Inheritance: Autosomal dominant inheritance.
Comment: NM_001754.5(RUNX1):c.337C>A (p.Pro113Thr) is a missense variant which has a REVEL score ≥ 0.88 (0.966) (PP3). This variant affects a codon within the Runt Homology domain (AA 89-204) but does not occur within an established hotspot residue (PM1_Supporting). This variant is completely absent from all population databases with at least 20x coverage for RUNX1 (PM2_Supporting). In summary, the clinical significance of this variant is uncertain. ACMG/AMP criteria applied, as specified by the Myeloid Malignancy Variant Curation Expert Panel for RUNX1: PP3, PM1_supporting, PM2_supporting.

Ambry Genetics
Classification: Uncertain significance for Inborn genetic diseases. Last evaluated: 2026-07-06. Review status: criteria provided, single submitter. Criteria: Ambry Variant Classification Scheme 2023. Collection method: clinical testing. Allele origin: germline. Not counted in ClinVar's aggregate classification.
Comment: The p.P113T variant (also known as c.337C>A), located in coding exon 3 of the RUNX1 gene, results from a C to A substitution at nucleotide position 337. The proline at codon 113 is replaced by threonine, an amino acid with highly similar properties. This amino acid position is conserved. In addition, this alteration is predicted to be deleterious by in silico analysis. Based on the available evidence, the clinical significance of this variant remains unclear.

GeneDx
Classification: Uncertain significance. Last evaluated: 2019-08-21. Review status: criteria provided, single submitter. Criteria: GeneDx Variant Classification Process June 2021. Collection method: clinical testing. Allele origin: germline. Affected: yes. Not counted in ClinVar's aggregate classification.
Comment: Not observed in large population cohorts (Lek et al., 2016); In silico analysis, which includes protein predictors and evolutionary conservation, supports a deleterious effect; Has not been previously published as pathogenic or benign to our knowledge

NM_001754.5(RUNX1):c.337C>A (p.Pro113Thr)

Gene: RUNX1 (RUNX family transcription factor 1; minus strand). Cytogenetic location: 21q22.12.
Variant type: single nucleotide variant.
Coding change: c.337C>A on transcript NM_001754.5 (MANE Select); coding-DNA position 337, C replaced by A.
Protein change: p.Pro113Thr; replaces proline 113 with threonine.
Molecular consequence: missense variant.
Genome position (GRCh38, 1-based): chr21:34,886,857, G>T on the plus strand (C>A on the coding strand, the complement: RUNX1 is on the minus strand). VCF-style: chr21-34886857-G-T. GRCh37 (hg19) VCF-style: chr21-36259154-G-T.
Other names: NM_001754.5(RUNX1):c.337C>A; p.Pro113Thr; c.256C>A, p.Pro86Thr (NM_001001890.3, NM_001122607.2); short protein forms P113T, P86T.
Identifiers: ClinVar variation 1315930 (VCV001315930.4), dbSNP rs2146408031, ClinGen allele CA410203396.
Genomic context (GRCh38, chr21:34,886,857, plus strand): 5'-TCGCCGGCCTCCGCCTGTCCTCCCACCACCCTCTCCGGGCCAGTACCTTGAAAGCGATGG[G>T]CAGGGTCTTGTTGCAGCGCCAGTGCGTAGGCAGCACGGAGCAGAGGAAGTTGGGGCTGTC-3'
Protein context (NP_001745.2, residues 103-123): PTHWRCNKTL[Pro113Thr]IAFKVVALGD